The following is an entry in ClinVar:

ClinVar aggregate classification (germline): Uncertain significance. Review status: criteria provided, single submitter (1 of 4 stars). 2 submissions from 2 submitters: Uncertain significance (1). 1 of the submissions does not count toward it. Last evaluated 2024-10-23.

Conditions:
Neuronal ceroid lipofuscinosis 1 (CLN1). Also called: PPT1-Related Neuronal Ceroid-Lipofuscinosis; CEROID LIPOFUSCINOSIS, NEURONAL, 1, VARIABLE AGE AT ONSET. Identifiers: Orphanet 228329, MedGen C1850451, MONDO:0009744, OMIM 256730.

Allele frequency attached by ClinVar (database versions not stated): gnomAD exomes below 0.00001; TOPMed 0.00001.
gnomAD v4.1: 3 of 1,614,010 alleles (0.00019%); highest among the groups gnomAD compares: Admixed American, 0.0017%; no homozygotes.

Submissions (2):

Labcorp Genetics (formerly Invitae), Labcorp
Classification: Uncertain significance for Neuronal ceroid lipofuscinosis 1. Last evaluated: 2024-10-23. Review status: criteria provided, single submitter. Criteria: Invitae Variant Classification Sherloc (09022015). Collection method: clinical testing. Allele origin: germline.
Comment: This sequence change replaces glutamic acid, which is acidic and polar, with lysine, which is basic and polar, at codon 192 of the PPT1 protein (p.Glu192Lys). This variant is not present in population databases (gnomAD no frequency). This variant has not been reported in the literature in individuals affected with PPT1-related conditions. ClinVar contains an entry for this variant (Variation ID: 572539). Invitae Evidence Modeling of protein sequence and biophysical properties (such as structural, functional, and spatial information, amino acid conservation, physicochemical variation, residue mobility, and thermodynamic stability) has been performed for this missense variant. However, the output from this modeling did not meet the statistical confidence thresholds required to predict the impact of this variant on PPT1 protein function. In summary, the available evidence is currently insufficient to determine the role of this variant in disease. Therefore, it has been classified as a Variant of Uncertain Significance.

Natera, Inc.
Classification: Uncertain significance for Neuronal ceroid lipofuscinosis 1. Last evaluated: 2020-09-22. Review status: no assertion criteria provided. Collection method: clinical testing. Allele origin: germline. Not counted in ClinVar's aggregate classification.

NM_000310.4(PPT1):c.574G>A (p.Glu192Lys)

Gene: PPT1 (palmitoyl-protein thioesterase 1; minus strand). Cytogenetic location: 1p34.2.
Variant type: single nucleotide variant.
Coding change: c.574G>A on transcript NM_000310.4 (MANE Select); coding-DNA position 574, G replaced by A.
Protein change: p.Glu192Lys; replaces glutamic acid 192 with lysine.
Molecular consequence: missense variant.
Genome position (GRCh38, 1-based): chr1:40,080,450, C>T on the plus strand (G>A on the coding strand, the complement: PPT1 is on the minus strand). VCF-style: chr1-40080450-C-T. GRCh37 (hg19) VCF-style: chr1-40546122-C-T.
Other names: c.265G>A, p.Glu89Lys (NM_001142604.2); c.574G>A, p.Glu192Lys (NM_001363695.2); short protein forms E192K, E89K.
Identifiers: ClinVar variation 572539 (VCV000572539.11), dbSNP rs1557708202, ClinGen allele CA339847780.